The following is an entry in ClinVar:

NM_000081.4(LYST):c.11268-17dup

Gene: LYST (lysosomal trafficking regulator; minus strand). Cytogenetic location: 1q42.3.
Variant type: Duplication.
Coding change: c.11268-17dup on transcript NM_000081.4 (MANE Select); 17 bases into the intron before coding-DNA position 11268, one base duplicated (T; older notation c.11268-17dupT).
Molecular consequence: intron variant.
Genome position (GRCh38, 1-based): chr1:235,663,083, A duplicated on the plus strand (T on the coding strand, the reverse complement: LYST is on the minus strand); the first of 13 consecutive A bases (chr1:235,663,083-235,663,095); duplicating any one gives the same sequence. VCF-style (leftmost placement, unchanged base first): chr1-235663082-T-TA. GRCh37 (hg19) VCF-style: chr1-235826382-T-TA.
Other names: p.?; c.11268-17dup (NM_001301365.1); c.11268-5dup (NM_000081.4).
Identifiers: ClinVar variation 296343 (VCV000296343.21), dbSNP rs36014994, ClinGen allele CA1465154.
Genomic context (GRCh38, chr1:235,663,082, plus strand): 5'-ACGGTCCCATCACTGTTTGCTGTGTACAAATGGTGGCCATCACAAGAAAATGTAAGGCTG[T>TA]AAAAAAAAAAAAATTCCCATTTGTACATTATATTTCTTAAAAGTGTATTAGCATATTGGT-3'

ClinVar aggregate classification (germline): Benign/Likely benign. Review status: criteria provided, multiple submitters, no conflicts (2 of 4 stars). 6 submissions from 6 submitters: Benign (1); Likely benign (3). 2 of the submissions do not count toward it. Last evaluated 2025-12-19.

Conditions:
Autoinflammatory syndrome. Identifiers: Orphanet 93665, MedGen C3890737, MONDO:0019751.
Chédiak-Higashi syndrome (CHS). Also called: Chediak-Higashi Syndrome. Identifiers: Orphanet 167, MedGen C0007965, MONDO:0008963, OMIM 214500.

Submissions (6):

Labcorp Genetics (formerly Invitae), Labcorp
Classification: Benign for Chédiak-Higashi syndrome. Last evaluated: 2025-12-19. Review status: criteria provided, single submitter. Criteria: Invitae Variant Classification Sherloc (09022015). Collection method: clinical testing. Allele origin: germline.

Mayo Clinic Laboratories, Mayo Clinic
Classification: Likely benign. Last evaluated: 2025-08-11. Review status: criteria provided, single submitter. Criteria: ACMG Guidelines, 2015. Collection method: clinical testing. Allele origin: germline. Observed: 27 variant alleles.
Comment: BS1, BP4, BP7

Blueprint Genetics
Classification: Likely benign. Last evaluated: 2024-11-26. Review status: criteria provided, single submitter. Criteria: ACMG Guidelines, 2015. Collection method: clinical testing. Allele origin: germline.

Genome Diagnostics Laboratory, The Hospital for Sick Children
Classification: Likely benign for Autoinflammatory syndrome. Last evaluated: 2018-08-01. Review status: criteria provided, single submitter. Criteria: ACMG Guidelines, 2015. Collection method: clinical testing. Allele origin: germline. Affected: yes.

Clinical Genetics DNA and cytogenetics Diagnostics Lab, Erasmus MC, Erasmus Medical Center
Classification: Benign. Review status: no assertion criteria provided. Collection method: clinical testing. Allele origin: germline. Affected: yes. Study: VKGL Data-share Consensus. Not counted in ClinVar's aggregate classification.

Clinical Genetics, Academic Medical Center
Classification: Benign. Review status: no assertion criteria provided. Collection method: clinical testing. Allele origin: germline. Affected: yes. Study: VKGL Data-share Consensus. Not counted in ClinVar's aggregate classification.